The following is an entry in ClinVar:

NM_198066.4(GNPNAT1):c.227A>G (p.Glu76Gly)

Gene: GNPNAT1 (glucosamine-phosphate N-acetyltransferase 1; minus strand). Cytogenetic location: 14q22.1.
Variant type: single nucleotide variant.
Coding change: c.227A>G on transcript NM_198066.4 (MANE Select); coding-DNA position 227, A replaced by G.
Protein change: p.Glu76Gly; replaces glutamic acid 76 with glycine.
Molecular consequence: missense variant.
Genome position (GRCh38, 1-based): chr14:52,781,902, T>C on the plus strand (A>G on the coding strand, the complement: GNPNAT1 is on the minus strand). VCF-style: chr14-52781902-T-C. GRCh37 (hg19) VCF-style: chr14-53248620-T-C.
Other names: short protein forms E76G.
Identifiers: ClinVar variation 4030621 (VCV004030621.2).

ClinVar aggregate classification (germline): Uncertain significance. Review status: criteria provided, multiple submitters, no conflicts (2 of 4 stars). 2 submissions from 2 submitters: Uncertain significance (2). Last evaluated 2025-12-31.

Conditions:
Rhizomelic dysplasia, Ain-Naz type. Identifiers: MedGen C5562013, MONDO:0859203, OMIM 619598.

gnomAD v4.1: 1 of 1,605,770 alleles (0.000062%); highest among the groups gnomAD compares: Non-Finnish European, 0.000085%; no homozygotes.

Submissions (2):

3billion
Classification: Uncertain significance for Rhizomelic dysplasia, Ain-Naz type. Last evaluated: 2025-12-31. Review status: criteria provided, single submitter. Criteria: ACMG Guidelines, 2015. Collection method: clinical testing. Allele origin: germline. Affected: yes.
Comment: The variant is observed at an extremely low frequency in the gnomAD v4.1.0 dataset (total allele frequency: <0.001%). Predicted Consequence/Location: Missense variant In silico tool predictions suggest no damaging effect of the variant on gene or gene product [REVEL: 0.21 (<0.4); 3Cnet: 0.00 (<0.1, specificity 0.84 and negative predicitive value 0.97)]. A different missense change at the same codon (p.Glu76Lys) has been reported to be associated with GNPNAT1-related disorder (ClinVar ID: VCV001302024 /PMID: 32591345). However the evidence of pathogenicity is insufficient at this time. Therefore, this variant is classified as VUS according to the recommendation of ACMG/AMP guideline.

Ambry Genetics
Classification: Uncertain significance. Last evaluated: 2025-03-22. Review status: criteria provided, single submitter. Criteria: Ambry Variant Classification Scheme 2023. Collection method: clinical testing. Allele origin: germline.

Literature cited by the submitters: PubMed 32591345 (cited by 3billion).